The following is an entry in ClinVar:

NM_001447.3(FAT2):c.12989A>G (p.Asn4330Ser)

Genes: FAT2 (FAT atypical cadherin 2; minus strand), SLC36A1 (solute carrier family 36 member 1; plus strand). Cytogenetic location: 5q33.1.
Variant type: single nucleotide variant.
Coding change: c.12989A>G on transcript NM_001447.3 (MANE Select); coding-DNA position 12989, A replaced by G.
Protein change: p.Asn4330Ser; replaces asparagine 4330 with serine.
Molecular consequence: missense variant.
Genome position (GRCh38, 1-based): chr5:151,505,626, T>C on the plus strand (A>G on the coding strand, the complement: FAT2 is on the minus strand). VCF-style: chr5-151505626-T-C. GRCh37 (hg19) VCF-style: chr5-150885187-T-C.
Other names: short protein forms N4330S.
Identifiers: ClinVar variation 2967870 (VCV002967870.3), dbSNP rs756387333, ClinGen allele CA3519626.
Genomic context (GRCh38, chr5:151,505,626, plus strand): 5'-TAGAACATGACCTCCTCACAGCTGCCATAATCACTCTCCACCATGTCAGAGCCCTCATAG[T>C]TGGGGGGCACCCGGGGCTGGCCCTGGCCTGCAAGAGGTGCCCCCTCCACCTCACAGACAG-3'
Protein context (NP_001438.1, residues 4320-4340): AGQGQPRVPP[Asn4330Ser]YEGSDMVESD

ClinVar aggregate classification (germline): Uncertain significance (1 of 4 stars; one submission).

Allele frequency attached by ClinVar (database versions not stated): ExAC 0.00002; TOPMed 0.00002; gnomAD 0.00003.
gnomAD v4.1: 38 of 1,614,026 alleles (0.0024%); highest among the groups gnomAD compares: East Asian, 0.011%; no homozygotes.

Submission:

Labcorp Genetics (formerly Invitae), Labcorp
Classification: Uncertain significance. Last evaluated: 2023-10-13. Review status: criteria provided, single submitter. Criteria: Invitae Variant Classification Sherloc (09022015). Collection method: clinical testing. Allele origin: germline.
Comment: This sequence change replaces asparagine, which is neutral and polar, with serine, which is neutral and polar, at codon 4330 of the FAT2 protein (p.Asn4330Ser). The frequency data for this variant in the population databases is considered unreliable, as metrics indicate poor data quality at this position in the gnomAD database. This variant has not been reported in the literature in individuals affected with FAT2-related conditions. An algorithm developed to predict the effect of missense changes on protein structure and function (PolyPhen-2) suggests that this variant is likely to be tolerated. In summary, the available evidence is currently insufficient to determine the role of this variant in disease. Therefore, it has been classified as a Variant of Uncertain Significance.